The following is an entry in ClinVar:

ClinVar aggregate classification (germline): Uncertain significance (1 of 4 stars; one submission).

Conditions:
Hereditary cancer-predisposing syndrome. Also called: Neoplastic Syndromes, Hereditary; Tumor predisposition; Hereditary Cancer Syndrome; Hereditary neoplastic syndrome. Identifiers: Orphanet 140162, MedGen C0027672, MeSH D009386, MONDO:0015356.

Submission:

Ambry Genetics
Classification: Uncertain significance for Hereditary cancer-predisposing syndrome. Last evaluated: 2025-11-11. Review status: criteria provided, single submitter. Criteria: Ambry Variant Classification Scheme 2023. Collection method: clinical testing. Allele origin: germline.
Comment: The p.P1205A variant (also known as c.3613C>G), located in coding exon 30 of the POLE gene, results from a C to G substitution at nucleotide position 3613. The proline at codon 1205 is replaced by alanine, an amino acid with highly similar properties. This amino acid position is conserved. In addition, this alteration is predicted to be tolerated by in silico analysis. Based on the available evidence, the clinical significance of this variant remains unclear.

NM_006231.4(POLE):c.3613C>G (p.Pro1205Ala)

Gene: POLE (DNA polymerase epsilon, catalytic subunit; minus strand). Cytogenetic location: 12q24.33.
Variant type: single nucleotide variant.
Coding change: c.3613C>G on transcript NM_006231.4 (MANE Select); coding-DNA position 3613, C replaced by G.
Protein change: p.Pro1205Ala; replaces proline 1205 with alanine.
Molecular consequence: missense variant.
Genome position (GRCh38, 1-based): chr12:132,649,859, G>C on the plus strand (C>G on the coding strand, the complement: POLE is on the minus strand). VCF-style: chr12-132649859-G-C. GRCh37 (hg19) VCF-style: chr12-133226445-G-C.
Other names: short protein forms P1205A.
Identifiers: ClinVar variation 4672384 (VCV004672384.1).
Genomic context (GRCh38, chr12:132,649,859, plus strand): 5'-CTGCTGGGTGAGGCAGCTTTACGAGGCCGAAGTCCTCCATGTCAGGAGCACTTGGCCTCG[G>C]ACTGTCTTCTGAGGCCTCGGCCATCGTGACCTGGAAAGACCCAGTGAAGCCTTAAATCTC-3'
Protein context (NP_006222.2, residues 1195-1215): VTMAEASEDS[Pro1205Ala]RPSAPDMEDF